The following is an entry in ClinVar:

ClinVar aggregate classification (germline): Likely benign. Review status: criteria provided, multiple submitters, no conflicts (2 of 4 stars). 5 submissions from 5 submitters: Likely benign (4). 1 of the submissions does not count toward it. Last evaluated 2026-01-11.

Conditions:
BSCL2-related disorder. Also called: BSCL2-related condition; BSCL2-Related Disorders.
Inborn genetic diseases. Identifiers: MedGen C0950123, MeSH D030342.
Charcot-Marie-Tooth disease type 2. Also called: Charcot-Marie-Tooth type 2. Identifiers: Orphanet 64746, MedGen C0270914, MONDO:0018993.

Allele frequency attached by ClinVar (database versions not stated): ExAC 0.00001; gnomAD 0.00003 and 0.00004; gnomAD exomes 0.00004 and 0.00011; TOPMed 0.00004.
gnomAD v4.1: 163 of 1,614,120 alleles (0.01%); highest among the groups gnomAD compares: Non-Finnish European, 0.013%; no homozygotes.

Submissions (5):

Labcorp Genetics (formerly Invitae), Labcorp
Classification: Likely benign for Charcot-Marie-Tooth disease type 2. Last evaluated: 2026-01-11. Review status: criteria provided, single submitter. Criteria: Invitae Variant Classification Sherloc (09022015). Collection method: clinical testing. Allele origin: germline.

Ambry Genetics
Classification: Likely benign for Inborn genetic diseases. Last evaluated: 2023-04-06. Review status: criteria provided, single submitter. Criteria: Ambry Variant Classification Scheme 2023. Collection method: clinical testing. Allele origin: germline.

Mayo Clinic Laboratories, Mayo Clinic
Classification: Likely benign. Last evaluated: 2022-08-03. Review status: criteria provided, single submitter. Criteria: ACMG Guidelines, 2015. Collection method: clinical testing. Allele origin: germline. Observed: 2 variant alleles.
Comment: BP4, BP7

GeneDx
Classification: Likely benign. Last evaluated: 2016-08-31. Review status: criteria provided, single submitter. Criteria: GeneDx Variant Classification (06012015). Collection method: clinical testing. Allele origin: germline. Affected: yes.
Comment: This variant is considered likely benign or benign based on one or more of the following criteria: it is a conservative change, it occurs at a poorly conserved position in the protein, it is predicted to be benign by multiple in silico algorithms, and/or has population frequency not consistent with disease.

PreventionGenetics, part of Exact Sciences
Classification: Likely benign for BSCL2-related condition. Last evaluated: 2019-05-08. Review status: no assertion criteria provided. Collection method: clinical testing. Allele origin: germline. Not counted in ClinVar's aggregate classification.
Comment: This variant is classified as likely benign based on ACMG/AMP sequence variant interpretation guidelines (Richards et al. 2015 PMID: 25741868, with internal and published modifications).

Literature cited by the submitters: PubMed 24503134 (cited by Ambry Genetics).

NM_001122955.4(BSCL2):c.1017A>G (p.Arg339=)

Genes: BSCL2 (BSCL2 lipid droplet biogenesis associated, seipin; minus strand), HNRNPUL2-BSCL2 (HNRNPUL2-BSCL2 readthrough (NMD candidate); minus strand). Cytogenetic location: 11q12.3.
Variant type: single nucleotide variant.
Coding change: c.1017A>G on transcript NM_001122955.4 (MANE Select); coding-DNA position 1017, A replaced by G.
Protein change: p.Arg339=; no amino-acid change (arginine 339 retained).
Molecular consequence: synonymous variant. On other transcripts: non-coding transcript variant (1), missense variant (1).
Genome position (GRCh38, 1-based): chr11:62,691,130, T>C on the plus strand (A>G on the coding strand, the complement: BSCL2 is on the minus strand). VCF-style: chr11-62691130-T-C. GRCh37 (hg19) VCF-style: chr11-62458602-T-C.
Other names: p.Arg275=; c.683A>G, p.Glu228Gly (NM_001130702.2); c.1017A>G, p.Arg339= (NM_001386027.1, NM_001386028.1); c.825A>G, p.Arg275= (NM_032667.6); short protein forms E228G.
Identifiers: ClinVar variation 381712 (VCV000381712.16), dbSNP rs147902831, ClinGen allele CA6053360.